The following is an entry in ClinVar:

NM_031935.3(HMCN1):c.992T>C (p.Phe331Ser)

Gene: HMCN1 (hemicentin 1; plus strand). Cytogenetic location: 1q31.1.
Variant type: single nucleotide variant.
Coding change: c.992T>C on transcript NM_031935.3 (MANE Select); coding-DNA position 992, T replaced by C.
Protein change: p.Phe331Ser; replaces phenylalanine 331 with serine.
Molecular consequence: missense variant.
Genome position (GRCh38, 1-based): chr1:185,922,470, T>C. VCF-style: chr1-185922470-T-C. GRCh37 (hg19) VCF-style: chr1-185891602-T-C.
Other names: short protein forms F331S.
Identifiers: ClinVar variation 2695138 (VCV002695138.3), dbSNP rs750140043, ClinGen allele CA1291004.
Genomic context (GRCh38, chr1:185,922,470, plus strand): 5'-TTACTGGCCTCAGTACTATTGATTTCCGAGCTGGCTTTTCTCGAAAGCCCACCCTGGACT[T>C]CAAAAAAACAGTCAGCAGACCAGTGCAAGGTTTGTATGTGCATATTATTTAAATTGACAT-3'
Protein context (NP_114141.2, residues 321-341): AGFSRKPTLD[Phe331Ser]KKTVSRPVQG

ClinVar aggregate classification (germline): Uncertain significance (1 of 4 stars; one submission).

Allele frequency attached by ClinVar (database versions not stated): gnomAD exomes below 0.00001; ExAC 0.00001.
gnomAD v4.1: 1 of 1,613,584 alleles (0.000062%); highest among the groups gnomAD compares: African/African-American, 0.0013%; no homozygotes.

Submission:

Labcorp Genetics (formerly Invitae), Labcorp
Classification: Uncertain significance. Last evaluated: 2023-11-11. Review status: criteria provided, single submitter. Criteria: Invitae Variant Classification Sherloc (09022015). Collection method: clinical testing. Allele origin: germline.
Comment: This sequence change replaces phenylalanine, which is neutral and non-polar, with serine, which is neutral and polar, at codon 331 of the HMCN1 protein (p.Phe331Ser). This variant is present in population databases (rs750140043, gnomAD 0.007%). This variant has not been reported in the literature in individuals affected with HMCN1-related conditions. An algorithm developed to predict the effect of missense changes on protein structure and function (PolyPhen-2) suggests that this variant is likely to be disruptive. In summary, the available evidence is currently insufficient to determine the role of this variant in disease. Therefore, it has been classified as a Variant of Uncertain Significance.